The following is an entry in ClinVar:

NM_174889.5(NDUFAF2):c.263T>C (p.Ile88Thr)

Gene: NDUFAF2 (NADH:ubiquinone oxidoreductase complex assembly factor 2; plus strand). Cytogenetic location: 5q12.1.
Variant type: single nucleotide variant.
Coding change: c.263T>C on transcript NM_174889.5 (MANE Select); coding-DNA position 263, T replaced by C.
Protein change: p.Ile88Thr; replaces isoleucine 88 with threonine.
Molecular consequence: missense variant.
Genome position (GRCh38, 1-based): chr5:61,152,708, T>C. VCF-style: chr5-61152708-T-C. GRCh37 (hg19) VCF-style: chr5-60448535-T-C.
Other names: c.263T>C (NM_174889.4); short protein forms I88T.
Identifiers: ClinVar variation 2434085 (VCV002434085.5), dbSNP rs781737888, ClinGen allele CA3278174.

ClinVar aggregate classification (germline): Uncertain significance. Review status: criteria provided, multiple submitters, no conflicts (2 of 4 stars). 3 submissions from 3 submitters: Uncertain significance (3). Last evaluated 2025-05-21.

Conditions:
Mitochondrial complex I deficiency, nuclear type 10. Also called: Mitochondrial complex 1 deficiency, nuclear type 10. Identifiers: MedGen C4748768, MONDO:0032616, OMIM 618233.

Allele frequency attached by ClinVar (database versions not stated): gnomAD 0.00002; TOPMed 0.00002; ExAC 0.00003; gnomAD exomes 0.00004.
gnomAD v4.1: 52 of 1,555,706 alleles (0.0033%); highest among the groups gnomAD compares: Non-Finnish European, 0.0045%; no homozygotes.

Submissions (3):

GeneDx
Classification: Uncertain significance. Last evaluated: 2025-05-21. Review status: criteria provided, single submitter. Criteria: GeneDx Variant Classification Process June 2021. Collection method: clinical testing. Allele origin: germline. Affected: yes.
Comment: Not observed at significant frequency in large population cohorts (gnomAD); In silico analysis supports that this missense variant has a deleterious effect on protein structure/function; Has not been previously published as pathogenic or benign to our knowledge

Blueprint Genetics
Classification: Uncertain significance. Last evaluated: 2019-09-05. Review status: criteria provided, single submitter. Criteria: ACMG Guidelines, 2015. Collection method: clinical testing. Allele origin: germline.

Revvity Omics, Revvity
Classification: Uncertain significance for Mitochondrial complex I deficiency, nuclear type 10. Last evaluated: 2019-07-25. Review status: criteria provided, single submitter. Criteria: ACMG Guidelines, 2015. Collection method: clinical testing. Allele origin: germline.